The following is an entry in ClinVar:

NM_000202.8(IDS):c.970G>A (p.Ala324Thr)

Genes: IDS (iduronate 2-sulfatase; minus strand), LOC106050102 (IDS recombination region; plus strand). Cytogenetic location: Xq28.
Variant type: single nucleotide variant.
Coding change: c.970G>A on transcript NM_000202.8 (MANE Select); coding-DNA position 970, G replaced by A.
Protein change: p.Ala324Thr; replaces alanine 324 with threonine.
Molecular consequence: missense variant. On other transcripts: non-coding transcript variant (1).
Genome position (GRCh38, 1-based): chrX:149,490,350, C>T on the plus strand (G>A on the coding strand, the complement: IDS is on the minus strand). VCF-style: chrX-149490350-C-T. GRCh37 (hg19) VCF-style: chrX-148571881-C-T.
Other names: c.700G>A, p.Ala234Thr (NM_001166550.4); c.970G>A, p.Ala324Thr (NM_006123.5); short protein forms A234T, A324T.
Identifiers: ClinVar variation 2194608 (VCV002194608.4), dbSNP rs2520811966, ClinGen allele CA414520023.
Genomic context (GRCh38, chrX:149,490,350, plus strand): 5'-ACCAGGGAATTTCAAAATGCTTACCATGATCCGAGGTAAATGCAATGATGGTGCTGTTGG[C>T]CAGCTGAAGATCGTCCAAAGCACTCAAGAGGCGGCCGACCTGTGTATCCAAATATGACAC-3'
Protein context (NP_000193.1, residues 314-334): LLSALDDLQL[Ala324Thr]NSTIIAFTSD

ClinVar aggregate classification (germline): Uncertain significance (1 of 4 stars; one submission).

Conditions:
Mucopolysaccharidosis, MPS-II (MPS2). Also called: Mucopolysaccharidosis with skin involvement; Mucopolysaccharidosis type 2; Attenuated MPS (subtype; formerly known as mild MPS II); Severe MPS II; I2S deficiency; MPS 2. Identifiers: Orphanet 580, Orphanet 79388, MedGen C0026705, MONDO:0010674, OMIM 309900.

Allele frequency attached by ClinVar (database versions not stated): gnomAD exomes below 0.00001.

Submission:

Labcorp Genetics (formerly Invitae), Labcorp
Classification: Uncertain significance for Mucopolysaccharidosis, MPS-II. Last evaluated: 2025-07-18. Review status: criteria provided, single submitter. Criteria: Invitae Variant Classification Sherloc (09022015). Collection method: clinical testing. Allele origin: germline.
Comment: This sequence change replaces alanine, which is neutral and non-polar, with threonine, which is neutral and polar, at codon 324 of the IDS protein (p.Ala324Thr). This variant is not present in population databases (gnomAD no frequency). This variant has not been reported in the literature in individuals affected with IDS-related conditions. ClinVar contains an entry for this variant (Variation ID: 2194608). Invitae Evidence Modeling of protein sequence and biophysical properties (such as structural, functional, and spatial information, amino acid conservation, physicochemical variation, residue mobility, and thermodynamic stability) indicates that this missense variant is not expected to disrupt IDS protein function with a negative predictive value of 80%. In summary, the available evidence is currently insufficient to determine the role of this variant in disease. Therefore, it has been classified as a Variant of Uncertain Significance.